The following is an entry in ClinVar:

ClinVar aggregate classification (germline): Conflicting classifications of pathogenicity. Review status: criteria provided, conflicting classifications (1 of 4 stars). 2 submissions from 2 submitters: Uncertain significance (1); Likely benign (1). Last evaluated 2023-04-17.

Conditions:
Inborn genetic diseases. Identifiers: MedGen C0950123, MeSH D030342.

Allele frequency attached by ClinVar (database versions not stated): gnomAD exomes 0.00002; ExAC 0.00003; gnomAD 0.00003; TOPMed 0.00004; 1000 Genomes Project 0.00020; 1000 Genomes Project 30x 0.00031.
gnomAD v4.1: 35 of 1,591,814 alleles (0.0022%); highest among the groups gnomAD compares: Admixed American, 0.034%; no homozygotes.

Submissions (2):

Labcorp Genetics (formerly Invitae), Labcorp
Classification: Uncertain significance. Last evaluated: 2023-04-17. Review status: criteria provided, single submitter. Criteria: Invitae Variant Classification Sherloc (09022015). Collection method: clinical testing. Allele origin: germline.
Comment: In summary, the available evidence is currently insufficient to determine the role of this variant in disease. Therefore, it has been classified as a Variant of Uncertain Significance. This sequence change replaces isoleucine, which is neutral and non-polar, with threonine, which is neutral and polar, at codon 3087 of the KMT2C protein (p.Ile3087Thr). This variant is present in population databases (rs201164931, gnomAD 0.05%), and has an allele count higher than expected for a pathogenic variant. This variant has not been reported in the literature in individuals affected with KMT2C-related conditions. ClinVar contains an entry for this variant (Variation ID: 2215763). An algorithm developed to predict the effect of missense changes on protein structure and function (PolyPhen-2) suggests that this variant is likely to be disruptive.

Ambry Genetics
Classification: Likely benign for Inborn genetic diseases. Last evaluated: 2022-09-17. Review status: criteria provided, single submitter. Criteria: Ambry Variant Classification Scheme 2023. Collection method: clinical testing. Allele origin: germline.

NM_170606.3(KMT2C):c.9260T>C (p.Ile3087Thr)

Gene: KMT2C (lysine methyltransferase 2C; minus strand). Cytogenetic location: 7q36.1.
Variant type: single nucleotide variant.
Coding change: c.9260T>C on transcript NM_170606.3 (MANE Select); coding-DNA position 9260, T replaced by C.
Protein change: p.Ile3087Thr; replaces isoleucine 3087 with threonine.
Molecular consequence: missense variant.
Genome position (GRCh38, 1-based): chr7:152,176,193, A>G on the plus strand (T>C on the coding strand, the complement: KMT2C is on the minus strand). VCF-style: chr7-152176193-A-G. GRCh37 (hg19) VCF-style: chr7-151873278-A-G.
Other names: short protein forms I3087T.
Identifiers: ClinVar variation 2215763 (VCV002215763.5), dbSNP rs201164931, ClinGen allele CA4579532.